The following is an entry in ClinVar:

ClinVar aggregate classification (germline): Likely benign. Review status: criteria provided, multiple submitters, no conflicts (2 of 4 stars). 3 submissions from 3 submitters: Likely benign (3). Last evaluated 2024-07-06.

Conditions:
Cardiovascular phenotype. Identifiers: MedGen CN230736.
Arrhythmogenic cardiomyopathy with wooly hair and keratoderma. Also called: Arrhythmogenic cardiomyopathy with woolly hair and keratoderma; PALMOPLANTAR KERATODERMA WITH LEFT VENTRICULAR CARDIOMYOPATHY AND WOOLLY HAIR; Carvajal syndrome; Dilated cardiomyopathy with woolly hair and keratoderma. Identifiers: Orphanet 65282, MedGen C1854063, MONDO:0011581, OMIM 605676.
Arrhythmogenic right ventricular dysplasia 8 (ARVD8). Also called: Arrhythmogenic Right Ventricular Dysplasia/Cardiomyopathy 8; ARRHYTHMOGENIC RIGHT VENTRICULAR DYSPLASIA, FAMILIAL, 8; ARRHYTHMOGENIC RIGHT VENTRICULAR CARDIOMYOPATHY 8. Identifiers: MedGen C1843896, MONDO:0011831, OMIM 607450.

Allele frequency attached by ClinVar (database versions not stated): gnomAD 0.00003; ESP Exome Variant Server 0.00008.
gnomAD v4.1: 4 of 1,613,910 alleles (0.00025%); highest among the groups gnomAD compares: African/African-American, 0.0053%; no homozygotes.

Submissions (3):

Labcorp Genetics (formerly Invitae), Labcorp
Classification: Likely benign for Arrhythmogenic cardiomyopathy with wooly hair and keratoderma; Arrhythmogenic right ventricular dysplasia 8. Last evaluated: 2024-07-06. Review status: criteria provided, single submitter. Criteria: Invitae Variant Classification Sherloc (09022015). Collection method: clinical testing. Allele origin: germline.

All of Us Research Program, National Institutes of Health
Classification: Likely benign for Arrhythmogenic cardiomyopathy with wooly hair and keratoderma. Last evaluated: 2023-06-08. Review status: criteria provided, single submitter. Criteria: ACMG Guidelines, 2015. Collection method: clinical testing. Allele origin: germline. Inheritance: Autosomal dominant inheritance. Observed: 1 variant allele, 1 heterozygote.
Comment: This study involves interpretation of variants in research participants for the purpose of population health screening. Participant phenotype was not available at the time of variant classification. Additional details can be found in publication PMID: 35346344, PMCID: PMC8962531

Ambry Genetics
Classification: Likely benign for Cardiovascular phenotype. Last evaluated: 2022-01-06. Review status: criteria provided, single submitter. Criteria: Ambry Variant Classification Scheme 2023. Collection method: clinical testing. Allele origin: germline.

NM_004415.4(DSP):c.3606G>A (p.Glu1202=)

Gene: DSP (desmoplakin; plus strand). Cytogenetic location: 6p24.3.
Variant type: single nucleotide variant.
Coding change: c.3606G>A on transcript NM_004415.4 (MANE Select); coding-DNA position 3606, G replaced by A.
Protein change: p.Glu1202=; no amino-acid change (glutamic acid 1202 retained).
Molecular consequence: synonymous variant. On other transcripts: intron variant (1).
Genome position (GRCh38, 1-based): chr6:7,579,796, G>A. VCF-style: chr6-7579796-G-A. GRCh37 (hg19) VCF-style: chr6-7580029-G-A.
Other names: c.3606G>A, p.Glu1202= (NM_001319034.2); c.3582+24G>A (NM_001008844.3).
Identifiers: ClinVar variation 1733153 (VCV001733153.8), dbSNP rs143657621, ClinGen allele CA133968549.
Genomic context (GRCh38, chr6:7,579,796, plus strand): 5'-CACCCGGAAGAGAGAATATGAAAATGAGCTGGCAAAGGTAAGAAACCACTATAATGAGGA[G>A]ATGAGTAATTTAAGGAACAAGTATGAAACAGAGATTAACATTACGAAGACCACCATCAAG-3'
Protein context (NP_004406.2, residues 1192-1212): LAKVRNHYNE[Glu1202=]MSNLRNKYET